The following is an entry in ClinVar:

NM_002474.3(MYH11):c.4438G>C (p.Glu1480Gln)

Genes: MYH11 (myosin heavy chain 11; minus strand), NDE1 (nudE neurodevelopment protein 1; plus strand). Cytogenetic location: 16p13.11.
Variant type: single nucleotide variant.
Coding change: c.4438G>C on transcript NM_002474.3 (MANE Select); coding-DNA position 4438, G replaced by C.
Protein change: p.Glu1480Gln; replaces glutamic acid 1480 with glutamine.
Molecular consequence: missense variant. On other transcripts: intron variant (2).
Genome position (GRCh38, 1-based): chr16:15,721,562, C>G on the plus strand (G>C on the coding strand, the complement: MYH11 is on the minus strand). VCF-style: chr16-15721562-C-G. GRCh37 (hg19) VCF-style: chr16-15815419-C-G.
Other names: c.4459G>C, p.Glu1487Gln (NM_001040113.2, NM_001040114.2); c.4438G>C, p.Glu1480Gln (NM_022844.3); c.948-2629C>G (NM_001143979.2, NM_017668.3); short protein forms E1487Q, E1480Q.
Identifiers: ClinVar variation 220975 (VCV000220975.11), dbSNP rs864622710, ClinGen allele CA349873.

ClinVar aggregate classification (germline): Uncertain significance. Review status: criteria provided, multiple submitters, no conflicts (2 of 4 stars). 4 submissions from 4 submitters: Uncertain significance (4). Last evaluated 2024-09-21.

Conditions:
Familial thoracic aortic aneurysm and aortic dissection (TAAD). Also called: Thoracic aortic aneurysms and dissections. Identifiers: Orphanet 91387, MedGen C4707243, MONDO:0019625.
Aortic aneurysm, familial thoracic 4 (AAT4). Also called: AORTIC ANEURYSM/AORTIC DISSECTION AND PATENT DUCTUS ARTERIOSUS. Identifiers: MedGen C1851504, MONDO:0007568, OMIM 132900.

Allele frequency attached by ClinVar (database versions not stated): TOPMed 0.00001.
gnomAD v4.1: 5 of 1,614,116 alleles (0.00031%); highest among the groups gnomAD compares: Non-Finnish European, 0.00042%; no homozygotes.

Submissions (4):

Labcorp Genetics (formerly Invitae), Labcorp
Classification: Uncertain significance for Aortic aneurysm, familial thoracic 4. Last evaluated: 2024-09-21. Review status: criteria provided, single submitter. Criteria: Invitae Variant Classification Sherloc (09022015). Collection method: clinical testing. Allele origin: germline.
Comment: This sequence change replaces glutamic acid, which is acidic and polar, with glutamine, which is neutral and polar, at codon 1487 of the MYH11 protein (p.Glu1487Gln). This variant is not present in population databases (gnomAD no frequency). This variant has not been reported in the literature in individuals affected with MYH11-related conditions. ClinVar contains an entry for this variant (Variation ID: 220975). Invitae Evidence Modeling of protein sequence and biophysical properties (such as structural, functional, and spatial information, amino acid conservation, physicochemical variation, residue mobility, and thermodynamic stability) indicates that this missense variant is not expected to disrupt MYH11 protein function with a negative predictive value of 95%. In summary, the available evidence is currently insufficient to determine the role of this variant in disease. Therefore, it has been classified as a Variant of Uncertain Significance.

All of Us Research Program, National Institutes of Health
Classification: Uncertain significance for Familial thoracic aortic aneurysm and aortic dissection. Last evaluated: 2024-04-25. Review status: criteria provided, single submitter. Criteria: ACMG Guidelines, 2015. Collection method: clinical testing. Allele origin: germline. Inheritance: Autosomal dominant inheritance. Observed: 4 variant alleles, 4 heterozygotes.
Comment: This missense variant replaces glutamic acid with glutamine at codon 1487 of the MYH11 protein. Computational prediction is inconclusive regarding the impact of this variant on protein structure and function (internally defined REVEL score threshold 0.5 < inconclusive < 0.7, PMID: 27666373). To our knowledge, functional studies have not been reported for this variant. This variant has not been reported in individuals affected with MYH11-related disorders in the literature. This variant has not been identified in the general population by the Genome Aggregation Database (gnomAD). The available evidence is insufficient to determine the role of this variant in disease conclusively. Therefore, this variant is classified as a Variant of Uncertain Significance.

This study involves interpretation of variants in research participants for the purpose of population health screening. Participant phenotype was not available at the time of variant classification. Additional details can be found in publication PMID: 35346344, PMCID: PMC8962531

Color Diagnostics, LLC DBA Color Health
Classification: Uncertain significance for Familial thoracic aortic aneurysm and aortic dissection. Last evaluated: 2024-04-10. Review status: criteria provided, single submitter. Criteria: ACMG Guidelines, 2015. Collection method: clinical testing. Allele origin: germline.
Comment: This missense variant replaces glutamic acid with glutamine at codon 1487 of the MYH11 protein. Computational prediction is inconclusive regarding the impact of this variant on protein structure and function. To our knowledge, functional studies have not been reported for this variant. This variant has not been reported in individuals affected with MYH11-related disorders in the literature. This variant has not been identified in the general population by the Genome Aggregation Database (gnomAD). The available evidence is insufficient to determine the role of this variant in disease conclusively. Therefore, this variant is classified as a Variant of Uncertain Significance.

Ambry Genetics
Classification: Uncertain significance for Familial thoracic aortic aneurysm and aortic dissection. Last evaluated: 2024-03-06. Review status: criteria provided, single submitter. Criteria: Ambry Variant Classification Scheme 2023. Collection method: clinical testing. Allele origin: germline.
Comment: The p.E1480Q variant (also known as c.4438G>C), located in coding exon 31 of the MYH11 gene, results from a G to C substitution at nucleotide position 4438. The glutamic acid at codon 1480 is replaced by glutamine, an amino acid with highly similar properties. This amino acid position is conserved. In addition, the in silico prediction for this alteration is inconclusive. Based on the available evidence, the clinical significance of this alteration remains unclear.